The following is an entry in ClinVar:

NM_024876.4(COQ8B):c.98G>A (p.Arg33His)

Gene: COQ8B (coenzyme Q8B; minus strand). Cytogenetic location: 19q13.2.
Variant type: single nucleotide variant.
Coding change: c.98G>A on transcript NM_024876.4 (MANE Select); coding-DNA position 98, G replaced by A.
Protein change: p.Arg33His; replaces arginine 33 with histidine.
Molecular consequence: missense variant.
Genome position (GRCh38, 1-based): chr19:40,714,535, C>T on the plus strand (G>A on the coding strand, the complement: COQ8B is on the minus strand). VCF-style: chr19-40714535-C-T. GRCh37 (hg19) VCF-style: chr19-41220440-C-T.
Other names: c.98G>A, p.Arg33His (NM_001142555.3); short protein forms R33H.
Identifiers: ClinVar variation 1335830 (VCV001335830.4), dbSNP rs145961802, ClinGen allele CA9450552.
Genomic context (GRCh38, chr19:40,714,535, plus strand): 5'-CCTCTGAAGTCTCCCTCAGCCTCTTCCCCTTGGGGACCTGCTCCCTAGCCTCTTACCCAG[C>T]GGTGGGGCCCAGGCCCCAGGGCCCCACAAGGCCAACCAACAGTCTGGCCCAGCTGTCCAC-3'
Protein context (NP_079152.3, residues 23-43): PCGALGPGPH[Arg33His]WGPCGGSWAQ

ClinVar aggregate classification (germline): Uncertain significance (1 of 4 stars; one submission).

Allele frequency attached by ClinVar (database versions not stated): ExAC 0.00001; gnomAD exomes 0.00001; TOPMed 0.00002; gnomAD 0.00003 and 0.00004; ESP Exome Variant Server 0.00008.
gnomAD v4.1: 45 of 1,613,752 alleles (0.0028%); highest among the groups gnomAD compares: Middle Eastern, 0.033%; no homozygotes.

Submission:

GeneDx
Classification: Uncertain significance. Last evaluated: 2022-01-14. Review status: criteria provided, single submitter. Criteria: GeneDx Variant Classification Process June 2021. Collection method: clinical testing. Allele origin: germline. Affected: yes.
Comment: Not observed at significant frequency in large population cohorts (gnomAD); In silico analysis supports that this missense variant does not alter protein structure/function; Has not been previously published as pathogenic or benign to our knowledge